The following is an entry in ClinVar:

NM_001127511.3(APC):c.-144T>C

Gene: APC (APC regulator of Wnt signaling pathway; plus strand). Cytogenetic location: 5q22.2.
Variant type: single nucleotide variant.
Coding change: c.-144T>C on transcript NM_001127511.3; 144 bases upstream of the start codon, T replaced by C.
Molecular consequence: 5 prime UTR variant. On other transcripts: non-coding transcript variant (2).
Genome position (GRCh38, 1-based): chr5:112,707,574, T>C. VCF-style: chr5-112707574-T-C. GRCh37 (hg19) VCF-style: chr5-112043271-T-C.
Other names: c.-327T>C (NM_001354895.2, NM_001407447.1, NM_001407452.1 and 3 more transcripts); c.-144T>C (NM_001354897.2, NM_001354902.2, NM_001407446.1); c.-94T>C (NM_001407448.1, NM_001407450.1, NM_001407457.1 and 1 more transcripts); c.-118T>C (NM_001407453.1); c.-1362T>C (NM_001407470.1, NM_001407472.1).
Identifiers: ClinVar variation 1037210 (VCV001037210.9), dbSNP rs1717358972, ClinGen allele CA1573442466.

ClinVar aggregate classification (germline): Uncertain significance (1 of 4 stars; one submission).

Conditions:
Familial adenomatous polyposis 1 (FAP1). Also called: FAMILIAL ADENOMATOUS POLYPOSIS 1, ATTENUATED; POLYPOSIS, ADENOMATOUS INTESTINAL. Identifiers: MedGen C2713442, MONDO:0021056, OMIM 175100. Disease mechanism: loss of function.

Submission:

Labcorp Genetics (formerly Invitae), Labcorp
Classification: Uncertain significance for Familial adenomatous polyposis 1. Last evaluated: 2019-12-20. Review status: criteria provided, single submitter. Criteria: Invitae Variant Classification Sherloc (09022015). Collection method: clinical testing. Allele origin: germline.
Comment: This variant occurs in a non-coding region of the APC gene. It does not change the encoded amino acid sequence of the APC protein. This variant has not been reported in the literature in individuals with APC-related conditions. Experimental studies and prediction algorithms are not available for this variant, and the functional significance of this non-coding change is currently unknown. In summary, the available evidence is currently insufficient to determine the role of this variant in disease. Therefore, it has been classified as a Variant of Uncertain Significance.